The following is an entry in ClinVar:

NM_032108.4(SEMA6B):c.1143C>T (p.Pro381=)

Gene: SEMA6B (semaphorin 6B; minus strand). Cytogenetic location: 19p13.3.
Variant type: single nucleotide variant.
Coding change: c.1143C>T on transcript NM_032108.4 (MANE Select); coding-DNA position 1143, C replaced by T.
Protein change: p.Pro381=; no amino-acid change (proline 381 retained).
Molecular consequence: synonymous variant.
Genome position (GRCh38, 1-based): chr19:4,550,251, G>A on the plus strand (C>T on the coding strand, the complement: SEMA6B is on the minus strand). VCF-style: chr19-4550251-G-A. GRCh37 (hg19) VCF-style: chr19-4550263-G-A.
Identifiers: ClinVar variation 3257112 (VCV003257112.18).

ClinVar aggregate classification (germline): Likely benign. Review status: criteria provided, multiple submitters, no conflicts (2 of 4 stars). 2 submissions from 2 submitters: Likely benign (2). Last evaluated 2024-07-01.

gnomAD v4.1: 13 of 1,613,164 alleles (0.00081%); highest among the groups gnomAD compares: South Asian, 0.0022%; no homozygotes.

Submissions (2):

CeGaT Center for Human Genetics Tuebingen
Classification: Likely benign. Last evaluated: 2024-07-01. Review status: criteria provided, single submitter. Criteria: CeGaT Center For Human Genetics Tuebingen Variant Classification Criteria Version 2. Collection method: clinical testing. Allele origin: germline. Affected: yes. Observed: 1 variant allele.
Comment: SEMA6B: BP4, BP7

Blueprint Genetics
Classification: Likely benign. Last evaluated: 2023-07-27. Review status: criteria provided, single submitter. Criteria: ACMG Guidelines, 2015. Collection method: clinical testing. Allele origin: germline.